The following is an entry in ClinVar:

NM_133459.4(CCBE1):c.266-63G>T

Gene: CCBE1 (collagen and calcium binding EGF domains 1; minus strand). Cytogenetic location: 18q21.32.
Variant type: single nucleotide variant.
Coding change: c.266-63G>T on transcript NM_133459.4 (MANE Select); 63 bases into the intron before coding-DNA position 266, G replaced by T.
Molecular consequence: intron variant.
Genome position (GRCh38, 1-based): chr18:59,469,670, C>A on the plus strand (G>T on the coding strand, the complement: CCBE1 is on the minus strand). VCF-style: chr18-59469670-C-A. GRCh37 (hg19) VCF-style: chr18-57136902-C-A.
Identifiers: ClinVar variation 1192652 (VCV001192652.8), dbSNP rs663452, ClinGen allele CA14538200.

ClinVar aggregate classification (germline): Benign. Review status: criteria provided, multiple submitters, no conflicts (2 of 4 stars). 4 submissions from 4 submitters: Benign (4). Last evaluated 2024-01-24.

Conditions:
Hennekam lymphangiectasia-lymphedema syndrome 1 (HKLLS1). Also called: LYMPHATIC DYSPLASIA, GENERALIZED. Identifiers: Orphanet 2136, MedGen C4012050, MONDO:0009337, OMIM 235510.

Allele frequency attached by ClinVar (database versions not stated): 1000 Genomes Project 30x 0.41334; 1000 Genomes Project 0.41374; TOPMed 0.41567; gnomAD 0.42927 and 0.43305.
gnomAD v4.1: 725,573 of 1,607,094 alleles (45%); highest among the groups gnomAD compares: South Asian, 51%; 165,373 homozygotes.

Submissions (4):

Unidad de Genómica Garrahan, Hospital de Pediatría Garrahan
Classification: Benign. Last evaluated: 2024-01-24. Review status: criteria provided, single submitter. Criteria: ACMG Guidelines, 2015. Collection method: clinical testing. Allele origin: germline. Affected: no. Observed: 57 variant alleles.
Comment: This variant is classified as Benign based on local population frequency. This variant was detected in 60% of patients studied by a panel of primary immunodeficiencies. Number of patients: 57. Only high quality variants are reported.

Genome-Nilou Lab
Classification: Benign for Hennekam lymphangiectasia-lymphedema syndrome 1. Last evaluated: 2021-07-14. Review status: criteria provided, single submitter. Criteria: ACMG Guidelines, 2015. Collection method: clinical testing. Allele origin: germline. Affected: no.

GeneDx
Classification: Benign. Last evaluated: 2018-11-10. Review status: criteria provided, single submitter. Criteria: GeneDx Variant Classification Process June 2021. Collection method: clinical testing. Allele origin: germline. Affected: yes.

Breakthrough Genomics
Classification: Benign. Review status: criteria provided, single submitter. Criteria: ACMG Guidelines, 2015. Collection method: not provided. Allele origin: germline. Inheritance: Autosomal recessive inheritance. Affected: yes.